The following is an entry in ClinVar:

NM_024408.4(NOTCH2):c.6424T>C (p.Ser2142Pro)

Gene: NOTCH2 (notch receptor 2; minus strand). Cytogenetic location: 1p12.
Variant type: single nucleotide variant.
Coding change: c.6424T>C on transcript NM_024408.4 (MANE Select); coding-DNA position 6424, T replaced by C.
Protein change: p.Ser2142Pro; replaces serine 2142 with proline.
Molecular consequence: missense variant.
Genome position (GRCh38, 1-based): chr1:119,916,298, A>G on the plus strand (T>C on the coding strand, the complement: NOTCH2 is on the minus strand). VCF-style: chr1-119916298-A-G. GRCh37 (hg19) VCF-style: chr1-120458921-A-G.
Other names: short protein forms S2142P.
Identifiers: ClinVar variation 1304239 (VCV001304239.2), dbSNP rs2101144199, ClinGen allele CA341878084.

ClinVar aggregate classification (germline): Uncertain significance (1 of 4 stars; one submission).

Allele frequency attached by ClinVar (database versions not stated): gnomAD exomes below 0.00001.
gnomAD v4.1: 5 of 1,614,180 alleles (0.00031%); highest among the groups gnomAD compares: Non-Finnish European, 0.00042%; no homozygotes.

Submission:

GeneDx
Classification: Uncertain significance. Last evaluated: 2019-06-12. Review status: criteria provided, single submitter. Criteria: GeneDx Variant Classification Process June 2021. Collection method: clinical testing. Allele origin: germline. Affected: yes.
Comment: Not observed in large population cohorts (Lek et al., 2016); In silico analysis, which includes protein predictors and evolutionary conservation, supports that this variant does not alter protein structure/function